The following is an entry in ClinVar:

NM_001853.4(COL9A3):c.691C>T (p.Arg231Trp)

Gene: COL9A3 (collagen type IX alpha 3 chain; plus strand). Cytogenetic location: 20q13.33.
Variant type: single nucleotide variant.
Coding change: c.691C>T on transcript NM_001853.4 (MANE Select); coding-DNA position 691, C replaced by T.
Protein change: p.Arg231Trp; replaces arginine 231 with tryptophan.
Molecular consequence: missense variant.
Genome position (GRCh38, 1-based): chr20:62,826,210, C>T. VCF-style: chr20-62826210-C-T. GRCh37 (hg19) VCF-style: chr20-61457562-C-T.
Other names: c.691C>T (NM_001853.3); short protein forms R231W.
Identifiers: ClinVar variation 1422235 (VCV001422235.8), dbSNP rs529628515, ClinGen allele CA9949451.

ClinVar aggregate classification (germline): Uncertain significance. Review status: criteria provided, multiple submitters, no conflicts (2 of 4 stars). 3 submissions from 3 submitters: Uncertain significance (3). Last evaluated 2025-03-07.

Conditions:
Inborn genetic diseases. Identifiers: MedGen C0950123, MeSH D030342.

Allele frequency attached by ClinVar (database versions not stated): gnomAD exomes 0.00001 and 0.00002; gnomAD 0.00004 and 0.00005; TOPMed 0.00004; ExAC 0.00005; 1000 Genomes Project 30x 0.00016; 1000 Genomes Project 0.00020.
gnomAD v4.1: 22 of 1,561,618 alleles (0.0014%); highest among the groups gnomAD compares: African/African-American, 0.012%; no homozygotes.

Submissions (3):

Ambry Genetics
Classification: Uncertain significance for Inborn genetic diseases. Last evaluated: 2025-03-07. Review status: criteria provided, single submitter. Criteria: Ambry Variant Classification Scheme 2023. Collection method: clinical testing. Allele origin: germline.

Labcorp Genetics (formerly Invitae), Labcorp
Classification: Uncertain significance. Last evaluated: 2024-11-25. Review status: criteria provided, single submitter. Criteria: Invitae Variant Classification Sherloc (09022015). Collection method: clinical testing. Allele origin: germline.
Comment: This sequence change replaces arginine, which is basic and polar, with tryptophan, which is neutral and slightly polar, at codon 231 of the COL9A3 protein (p.Arg231Trp). The frequency data for this variant in the population databases is considered unreliable, as metrics indicate poor data quality at this position in the gnomAD database. This variant has not been reported in the literature in individuals affected with COL9A3-related conditions. ClinVar contains an entry for this variant (Variation ID: 1422235). Invitae Evidence Modeling of protein sequence and biophysical properties (such as structural, functional, and spatial information, amino acid conservation, physicochemical variation, residue mobility, and thermodynamic stability) indicates that this missense variant is not expected to disrupt COL9A3 protein function with a negative predictive value of 95%. In summary, the available evidence is currently insufficient to determine the role of this variant in disease. Therefore, it has been classified as a Variant of Uncertain Significance.

Blueprint Genetics
Classification: Uncertain significance. Last evaluated: 2021-04-01. Review status: criteria provided, single submitter. Criteria: ACMG Guidelines, 2015. Collection method: clinical testing. Allele origin: germline.